The following is an entry in ClinVar:

NM_000525.4(KCNJ11):c.139A>G (p.Lys47Glu)

Gene: KCNJ11 (potassium inwardly rectifying channel subfamily J member 11; minus strand). Cytogenetic location: 11p15.1.
Variant type: single nucleotide variant.
Coding change: c.139A>G on transcript NM_000525.4 (MANE Select); coding-DNA position 139, A replaced by G.
Protein change: p.Lys47Glu; replaces lysine 47 with glutamic acid.
Molecular consequence: missense variant. On other transcripts: intron variant (3).
Genome position (GRCh38, 1-based): chr11:17,387,953, T>C on the plus strand (A>G on the coding strand, the complement: KCNJ11 is on the minus strand). VCF-style: chr11-17387953-T-C. GRCh37 (hg19) VCF-style: chr11-17409500-T-C.
Other names: c.-16-107A>G (NM_001166290.2, NM_001377297.1); c.-17+65A>G (NM_001377296.1); short protein forms K47E.
Identifiers: ClinVar variation 4687654 (VCV004687654.1).

ClinVar aggregate classification (germline): Uncertain significance (1 of 4 stars; one submission).

Submission:

Women's Health and Genetics/Laboratory Corporation of America, LabCorp
Classification: Uncertain significance. Last evaluated: 2025-10-31. Review status: criteria provided, single submitter. Criteria: LabCorp Variant Classification Summary - May 2015. Collection method: clinical testing. Allele origin: germline.
Comment: Variant summary: KCNJ11 c.139A>G (p.Lys47Glu) results in a conservative amino acid change in the encoded protein sequence. Algorithms developed to predict the effect of missense changes on protein structure and function are either unavailable or do not agree on the potential impact of this missense change. The variant was absent in 251220 control chromosomes (gnomAD). The available data on variant occurrences in the general population are insufficient to allow any conclusion about variant significance. c.139A>G has been observed in one individual affected with Maturity Onset Diabetes Of The Young (Yorifuji_2023). The report does not provide unequivocal conclusions about association of the variant with Neonatal Diabetes Mellitus/Maturity Onset Diabetes Of The Young. To our knowledge, no experimental evidence demonstrating an impact on protein function has been reported. The following publications have been ascertained in the context of this evaluation (PMID: 39190464, 36504295). No submitters have cited clinical-significance assessments for this variant to ClinVar. Based on the evidence outlined above, the variant was classified as uncertain significance.

Literature cited by the submitters: PubMed 36504295; PubMed 39190464.